The following is an entry in ClinVar:

ClinVar aggregate classification (germline): Likely benign (0 of 4 stars; one submission).

Conditions:
TBK1-related disorder. Also called: TBK1-related condition.

gnomAD v4.1: 2 of 1,495,744 alleles (0.00013%); highest among the groups gnomAD compares: African/African-American, 0.0028%; no homozygotes.

Submission:

PreventionGenetics, part of Exact Sciences
Classification: Likely benign for TBK1-related condition. Last evaluated: 2023-01-03. Review status: no assertion criteria provided. Collection method: clinical testing. Allele origin: germline.
Comment: This variant is classified as likely benign based on ACMG/AMP sequence variant interpretation guidelines (Richards et al. 2015 PMID: 25741868, with internal and published modifications).

NM_013254.4(TBK1):c.1341-9T>C

Gene: TBK1 (TANK binding kinase 1; plus strand). Cytogenetic location: 12q14.2.
Variant type: single nucleotide variant.
Coding change: c.1341-9T>C on transcript NM_013254.4 (MANE Select); 9 bases into the intron before coding-DNA position 1341, T replaced by C.
Molecular consequence: intron variant.
Genome position (GRCh38, 1-based): chr12:64,488,478, T>C. VCF-style: chr12-64488478-T-C. GRCh37 (hg19) VCF-style: chr12-64882258-T-C.
Identifiers: ClinVar variation 3356021 (VCV003356021.1).
Genomic context (GRCh38, chr12:64,488,478, plus strand): 5'-GTATAATTAGTGATAGATAGAAAAAATAACTCCTTAGATAAACTAATTAGAATAATTTTC[T>C]TTTTTTAGTGAATTAATTAAAGATGATTACAATGAAACTGTTCACAAAAAGACAGAAGTT-3'